The following is an entry in ClinVar:

NM_004655.4(AXIN2):c.2486C>T (p.Pro829Leu)

Gene: AXIN2 (axin 2; minus strand). Cytogenetic location: 17q24.1.
Variant type: single nucleotide variant.
Coding change: c.2486C>T on transcript NM_004655.4 (MANE Select); coding-DNA position 2486, C replaced by T.
Protein change: p.Pro829Leu; replaces proline 829 with leucine.
Molecular consequence: missense variant.
Genome position (GRCh38, 1-based): chr17:65,530,022, G>A on the plus strand (C>T on the coding strand, the complement: AXIN2 is on the minus strand). VCF-style: chr17-65530022-G-A. GRCh37 (hg19) VCF-style: chr17-63526140-G-A.
Other names: c.2486C>T (LRG_296t1); c.2291C>T, p.Pro764Leu (NM_001363813.1); short protein forms P829L, P764L.
Identifiers: ClinVar variation 533168 (VCV000533168.9), dbSNP rs1285654850, ClinGen allele CA400674802.

ClinVar aggregate classification (germline): Uncertain significance. Review status: criteria provided, multiple submitters, no conflicts (2 of 4 stars). 2 submissions from 2 submitters: Uncertain significance (2). Last evaluated 2023-08-29.

Conditions:
Oligodontia-cancer predisposition syndrome. Also called: TOOTH AGENESIS-COLORECTAL CANCER SYNDROME. Identifiers: Orphanet 300576, MedGen C1837750, MONDO:0012075, OMIM 608615. Disease mechanism: loss of function.
Hereditary cancer-predisposing syndrome. Also called: Hereditary neoplastic syndrome; Neoplastic Syndromes, Hereditary; Tumor predisposition; Hereditary Cancer Syndrome. Identifiers: Orphanet 140162, MedGen C0027672, MeSH D009386, MONDO:0015356.

gnomAD v4.1: 2 of 1,614,116 alleles (0.00012%); highest among the groups gnomAD compares: Admixed American, 0.0017%; no homozygotes.

Submissions (2):

Ambry Genetics
Classification: Uncertain significance for Hereditary cancer-predisposing syndrome. Last evaluated: 2023-08-29. Review status: criteria provided, single submitter. Criteria: Ambry Variant Classification Scheme 2023. Collection method: clinical testing. Allele origin: germline.
Comment: The p.P829L variant (also known as c.2486C>T), located in coding exon 10 of the AXIN2 gene, results from a C to T substitution at nucleotide position 2486. The proline at codon 829 is replaced by leucine, an amino acid with similar properties. This amino acid position is highly conserved in available vertebrate species. In addition, this alteration is predicted to be deleterious by in silico analysis. Since supporting evidence is limited at this time, the clinical significance of this alteration remains unclear.

Labcorp Genetics (formerly Invitae), Labcorp
Classification: Uncertain significance for Oligodontia-cancer predisposition syndrome. Last evaluated: 2023-02-25. Review status: criteria provided, single submitter. Criteria: Invitae Variant Classification Sherloc (09022015). Collection method: clinical testing. Allele origin: germline.
Comment: ClinVar contains an entry for this variant (Variation ID: 533168). This variant has not been reported in the literature in individuals affected with AXIN2-related conditions. This variant is present in population databases (no rsID available, gnomAD 0.003%). This sequence change replaces proline, which is neutral and non-polar, with leucine, which is neutral and non-polar, at codon 829 of the AXIN2 protein (p.Pro829Leu). Advanced modeling of protein sequence and biophysical properties (such as structural, functional, and spatial information, amino acid conservation, physicochemical variation, residue mobility, and thermodynamic stability) performed at Invitae indicates that this missense variant is expected to disrupt AXIN2 protein function. In summary, the available evidence is currently insufficient to determine the role of this variant in disease. Therefore, it has been classified as a Variant of Uncertain Significance.